The following is an entry in ClinVar:

NM_000533.5(PLP1):c.834A>T (p.Ter278Cys)

Genes: PLP1 (proteolipid protein 1; plus strand), RAB9B (RAB9B, member RAS oncogene family; minus strand). Cytogenetic location: Xq22.2.
Variant type: single nucleotide variant.
Coding change: c.834A>T on transcript NM_000533.5 (MANE Select); coding-DNA position 834, A replaced by T.
Protein change: p.Ter278Cys.
Molecular consequence: stop lost.
Genome position (GRCh38, 1-based): chrX:103,790,598, A>T. VCF-style: chrX-103790598-A-T. GRCh37 (hg19) VCF-style: chrX-103045526-A-T.
Other names: c.834A>T, p.Ter278Cys (NM_001128834.3); c.669A>T, p.Ter223Cys (NM_001305004.1); c.729A>T, p.Ter243Cys (NM_199478.3).
Identifiers: ClinVar variation 3255460 (VCV003255460.4), dbSNP rs2522328650.

ClinVar aggregate classification (germline): Conflicting classifications of pathogenicity. Review status: criteria provided, conflicting classifications (1 of 4 stars). 2 submissions from 2 submitters: Likely pathogenic (1); Uncertain significance (1). Last evaluated 2024-07-16.

Conditions:
Pelizaeus-Merzbacher disease. Also called: LEUKODYSTROPHY, HYPOMYELINATING, 1; Sudanophilic leukodystrophy; Pelizaeus-Merzbacher spectrum disorder; Pelizaeus-Merzbacher Disease (PMD); Pelizeaus-Merzbacher spectrum disorder. Identifiers: Orphanet 702, MedGen C0205711, MONDO:0010714, OMIM 312080, HP:0003269.
Hereditary spastic paraplegia 2 (SPG2). Also called: SPASTIC PARAPLEGIA 2, X-LINKED; Spastic Paraplegia 2 (SPG2). Identifiers: Orphanet 99015, MedGen C0751604, MONDO:0010733, OMIM 312920.

Submissions (2):

Labcorp Genetics (formerly Invitae), Labcorp
Classification: Uncertain significance for Hereditary spastic paraplegia 2. Last evaluated: 2024-07-16. Review status: criteria provided, single submitter. Criteria: Invitae Variant Classification Sherloc (09022015). Collection method: clinical testing. Allele origin: germline.
Comment: This sequence change disrupts the translational stop signal of the PLP1 mRNA. It is expected to extend the length of the PLP1 protein by 14 additional amino acid residues. This variant is not present in population databases (gnomAD no frequency). This protein extension has been observed in individual(s) with Pelizaeus–Merzbacher disease and/or spastic paraplegia type 2 (PMID: 24139698, 36622199). This variant is also known as p.*278fs*15 or p.*278C. Experimental studies and prediction algorithms are not available or were not evaluated, and the functional significance of this variant is currently unknown. In summary, the available evidence is currently insufficient to determine the role of this variant in disease. Therefore, it has been classified as a Variant of Uncertain Significance.

Molecular Diagnostics Lab, Nemours Children's Health, Delaware
Classification: Likely pathogenic for Pelizaeus-Merzbacher disease. Last evaluated: 2022-02-25. Review status: criteria provided, single submitter. Criteria: ACMG Guidelines, 2015. Collection method: clinical testing. Allele origin: maternal, unknown. Inheritance: X-linked inheritance. Affected: yes and no. Observed: 2 heterozygotes, 7 hemizygotes.
Comment: This variant (c.834A>G, p.*278Cysext*14) occurs at the last nucleotide of coding exon 7, and has not been observed in population databases (gnomAD). It has been described in the literature (PMID24139698, PMID 25156430). No functional studies have not been reported. It has been found in numerous affected males in each of 2 different familes.

Literature cited by the submitters: PubMed 24139698 (cited by Labcorp Genetics (formerly Invitae), Labcorp and Molecular Diagnostics Lab, Nemours Children's Health, Delaware); PubMed 36622199 (cited by Labcorp Genetics (formerly Invitae), Labcorp); PubMed 25156430 (cited by Molecular Diagnostics Lab, Nemours Children's Health, Delaware).